The following is an entry in ClinVar:

ClinVar aggregate classification (germline): Uncertain significance. Review status: criteria provided, multiple submitters, no conflicts (2 of 4 stars). 3 submissions from 3 submitters: Uncertain significance (3). Last evaluated 2024-11-05.

Conditions:
Inborn genetic diseases. Identifiers: MedGen C0950123, MeSH D030342.
Isolated microphthalmia 5. Also called: Posterior Microphthalmia with Retinitis Pigmentosa, Foveoschisis, and Optic Disc Drusen. Identifiers: Orphanet 251279, MedGen C1970236, MONDO:0012605, OMIM 611040.

Allele frequency attached by ClinVar (database versions not stated): TOPMed 0.00001; gnomAD exomes 0.00001 and below 0.00001; ExAC 0.00001.
gnomAD v4.1: 10 of 1,613,782 alleles (0.00062%); highest among the groups gnomAD compares: African/African-American, 0.0027%; no homozygotes.

Submissions (3):

Labcorp Genetics (formerly Invitae), Labcorp
Classification: Uncertain significance for Isolated microphthalmia 5. Last evaluated: 2024-11-05. Review status: criteria provided, single submitter. Criteria: Invitae Variant Classification Sherloc (09022015). Collection method: clinical testing. Allele origin: germline.
Comment: This sequence change replaces glycine, which is neutral and non-polar, with valine, which is neutral and non-polar, at codon 135 of the MFRP protein (p.Gly135Val). This variant is present in population databases (rs748646897, gnomAD 0.002%). This variant has not been reported in the literature in individuals affected with MFRP-related conditions. ClinVar contains an entry for this variant (Variation ID: 1009370). Invitae Evidence Modeling of protein sequence and biophysical properties (such as structural, functional, and spatial information, amino acid conservation, physicochemical variation, residue mobility, and thermodynamic stability) indicates that this missense variant is not expected to disrupt MFRP protein function with a negative predictive value of 80%. In summary, the available evidence is currently insufficient to determine the role of this variant in disease. Therefore, it has been classified as a Variant of Uncertain Significance.

Blueprint Genetics
Classification: Uncertain significance. Last evaluated: 2024-09-02. Review status: criteria provided, single submitter. Criteria: ACMG Guidelines, 2015. Collection method: clinical testing. Allele origin: germline.

Ambry Genetics
Classification: Uncertain significance for Inborn genetic diseases. Last evaluated: 2022-09-14. Review status: criteria provided, single submitter. Criteria: Ambry Variant Classification Scheme 2023. Collection method: clinical testing. Allele origin: germline.

NM_031433.4(MFRP):c.404G>T (p.Gly135Val)

Genes: C1QTNF5 (C1q and TNF related 5; minus strand), MFRP (membrane frizzled-related protein; minus strand). Cytogenetic location: 11q23.3.
Variant type: single nucleotide variant.
Coding change: c.404G>T on transcript NM_031433.4 (MANE Select); coding-DNA position 404, G replaced by T.
Protein change: p.Gly135Val; replaces glycine 135 with valine.
Molecular consequence: missense variant. On other transcripts: 5 prime UTR variant (1).
Genome position (GRCh38, 1-based): chr11:119,345,796, C>A on the plus strand (G>T on the coding strand, the complement: MFRP is on the minus strand). VCF-style: chr11-119345796-C-A. GRCh37 (hg19) VCF-style: chr11-119216506-C-A.
Other names: c.-2233G>T (NM_015645.5); short protein forms G135V.
Identifiers: ClinVar variation 1009370 (VCV001009370.9), dbSNP rs748646897, ClinGen allele CA6320587.
Genomic context (GRCh38, chr11:119,345,796, plus strand): 5'-GGGCCCTTCTCCCGGAAGATCTGCCCCCAGTACTCACTGGACTGTGGGGAGGGGCTCACG[C>A]CTGACTCCTGCTGCCCTTTAGGGGTCCCAGCTGCCTGAGAGGTGGTGATGGTGGGGGTGG-3'
Protein context (NP_113621.1, residues 125-145): AGTPKGQQES[Gly135Val]VSPSPQSTCG